The following is an entry in ClinVar:

NM_001199563.2(POPDC1):c.586del (p.Cys196fs)

Gene: POPDC1 (popeye domain cAMP effector 1; minus strand). Cytogenetic location: 6q21.
Variant type: Deletion.
Coding change: c.586del on transcript NM_001199563.2 (MANE Select); coding-DNA position 586, one base deleted (T; older notation c.586delT).
Protein change: p.Cys196fs; shifts the reading frame from cysteine 196.
Molecular consequence: frameshift variant.
Genome position (GRCh38, 1-based): chr6:105,124,609, A deleted on the plus strand (T on the coding strand, the reverse complement: POPDC1 is on the minus strand). VCF-style (leftmost placement, unchanged base first): chr6-105124608-CA-C. GRCh37 (hg19) VCF-style: chr6-105572483-CA-C.
Other names: c.586del, p.Cys196fs (NM_007073.4, NM_147147.4); short protein forms C196fs.
Identifiers: ClinVar variation 5006946 (VCV005006946.2).

ClinVar aggregate classification (germline): Likely pathogenic (1 of 4 stars; one submission).

Conditions:
Autosomal recessive limb-girdle muscular dystrophy type 2X (LGMDR25). Also called: Muscular dystrophy, limb-girdle, type 2X. Identifiers: Orphanet 476084, MedGen C5568138, MONDO:0014782, OMIM 616812.

Submission:

Juno Genomics, Hangzhou Juno Genomics, Inc
Classification: Likely pathogenic for Autosomal recessive limb-girdle muscular dystrophy type 2X. Review status: criteria provided, single submitter. Criteria: ACMG Guidelines, 2015. Collection method: clinical testing. Allele origin: germline.
Comment: Null variant in a gene where loss of function (LOF) is a known mechanism of disease.;Absent from controls (or at extremely low frequency if recessive) in Genome Aggregation Database.